The following is an entry in ClinVar:

NM_170606.3(KMT2C):c.7443-6_7443-5insTA

Gene: KMT2C (lysine methyltransferase 2C; minus strand). Cytogenetic location: 7q36.1.
Variant type: Insertion.
Coding change: c.7443-6_7443-5insTA on transcript NM_170606.3 (MANE Select); 6 bases into the intron before coding-DNA position 7443 through 5 bases into the intron before coding-DNA position 7443, TA inserted.
Molecular consequence: intron variant.
Genome position: GRCh38 VCF-style: chr7-152178015-T-TTA. GRCh37 (hg19) VCF-style: chr7-151875100-T-TTA.
Other names: c.7443-6_7443-5insTA (NM_170606.2).
Identifiers: ClinVar variation 1078577 (VCV001078577.12), dbSNP rs1491309235, ClinGen allele CA835337246.

ClinVar aggregate classification (germline): Benign/Likely benign. Review status: criteria provided, multiple submitters, no conflicts (2 of 4 stars). 3 submissions from 3 submitters: Benign (1); Likely benign (1). 1 of the submissions does not count toward it. Last evaluated 2025-11-08.

Conditions:
KMT2C-related disorder. Also called: KMT2C-related condition; KMT2C-related disorders.
Inborn genetic diseases. Identifiers: MedGen C0950123, MeSH D030342.

Submissions (3):

Labcorp Genetics (formerly Invitae), Labcorp
Classification: Likely benign. Last evaluated: 2025-11-08. Review status: criteria provided, single submitter. Criteria: Invitae Variant Classification Sherloc (09022015). Collection method: clinical testing. Allele origin: germline.

Ambry Genetics
Classification: Benign for Inborn genetic diseases. Last evaluated: 2021-12-09. Review status: criteria provided, single submitter. Criteria: Ambry Variant Classification Scheme 2023. Collection method: clinical testing. Allele origin: germline.

PreventionGenetics, part of Exact Sciences
Classification: Likely benign for KMT2C-related condition. Last evaluated: 2019-03-21. Review status: no assertion criteria provided. Collection method: clinical testing. Allele origin: germline. Not counted in ClinVar's aggregate classification.
Comment: This variant is classified as likely benign based on ACMG/AMP sequence variant interpretation guidelines (Richards et al. 2015 PMID: 25741868, with internal and published modifications).